The following is an entry in ClinVar:

ClinVar aggregate classification (germline): Uncertain significance (1 of 4 stars; one submission).

gnomAD v4.1: 5 of 1,602,116 alleles (0.00031%); highest among the groups gnomAD compares: Non-Finnish European, 0.00043%; no homozygotes.

Submission:

Labcorp Genetics (formerly Invitae), Labcorp
Classification: Uncertain significance. Last evaluated: 2023-09-23. Review status: criteria provided, single submitter. Criteria: Invitae Variant Classification Sherloc (09022015). Collection method: clinical testing. Allele origin: germline.
Comment: An algorithm developed to predict the effect of missense changes on protein structure and function (PolyPhen-2) suggests that this variant is likely to be tolerated. In summary, the available evidence is currently insufficient to determine the role of this variant in disease. Therefore, it has been classified as a Variant of Uncertain Significance. This variant has not been reported in the literature in individuals affected with ZNF335-related conditions. This variant is not present in population databases (gnomAD no frequency). This sequence change replaces glutamic acid, which is acidic and polar, with aspartic acid, which is acidic and polar, at codon 319 of the ZNF335 protein (p.Glu319Asp).

NM_022095.4(ZNF335):c.957G>C (p.Glu319Asp)

Gene: ZNF335 (zinc finger protein 335; minus strand). Cytogenetic location: 20q13.12.
Variant type: single nucleotide variant.
Coding change: c.957G>C on transcript NM_022095.4 (MANE Select); coding-DNA position 957, G replaced by C.
Protein change: p.Glu319Asp; replaces glutamic acid 319 with aspartic acid.
Molecular consequence: missense variant.
Genome position (GRCh38, 1-based): chr20:45,965,773, C>G on the plus strand (G>C on the coding strand, the complement: ZNF335 is on the minus strand). VCF-style: chr20-45965773-C-G. GRCh37 (hg19) VCF-style: chr20-44594412-C-G.
Other names: short protein forms E319D.
Identifiers: ClinVar variation 2722867 (VCV002722867.3), dbSNP rs2083941470, ClinGen allele CA409252515.